The following is an entry in ClinVar:

NM_001042432.2(CLN3):c.54G>T (p.Glu18Asp)

Gene: CLN3 (CLN3 lysosomal/endosomal transmembrane protein, battenin; minus strand). Cytogenetic location: 16p12.1.
Variant type: single nucleotide variant.
Coding change: c.54G>T on transcript NM_001042432.2 (MANE Select); coding-DNA position 54, G replaced by T.
Protein change: p.Glu18Asp; replaces glutamic acid 18 with aspartic acid.
Molecular consequence: missense variant. On other transcripts: intron variant (3).
Genome position (GRCh38, 1-based): chr16:28,491,553, C>A on the plus strand (G>T on the coding strand, the complement: CLN3 is on the minus strand). VCF-style: chr16-28491553-C-A. GRCh37 (hg19) VCF-style: chr16-28502874-C-A.
Other names: c.54G>T, p.Glu18Asp (NM_000086.2, NM_001286104.2); c.-38+161G>T (NM_001286109.2, NM_001286110.2); c.-96+161G>T (NM_001286105.2); short protein forms E18D.
Identifiers: ClinVar variation 1484096 (VCV001484096.8), dbSNP rs2141722130, ClinGen allele CA395347162.
Genomic context (GRCh38, chr16:28,491,553, plus strand): 5'-CGCGTTCTTCCAATGCGCGCCCTGATGGTCCAACAGAGGGAGCCGGGGCTCCGGGACGGT[C>A]TCCTCCCCTGGGAGAGCGAGAAGAGGGCATGACCCCCACCTACTCTCAGGTGCACGACCG-3'
Protein context (NP_001035897.1, residues 8-28): RRRFSDSEGE[Glu18Asp]TVPEPRLPLL

ClinVar aggregate classification (germline): Uncertain significance (1 of 4 stars; one submission).

Conditions:
Neuronal ceroid lipofuscinosis. Also called: Neuronal Ceroid Lipofuscinoses. Identifiers: Orphanet 216, Orphanet 79263, MedGen C0027877, MONDO:0016295. Disease mechanism: loss of function.

Submission:

Labcorp Genetics (formerly Invitae), Labcorp
Classification: Uncertain significance for Neuronal ceroid lipofuscinosis. Last evaluated: 2022-07-05. Review status: criteria provided, single submitter. Criteria: Invitae Variant Classification Sherloc (09022015). Collection method: clinical testing. Allele origin: germline.
Comment: In summary, the available evidence is currently insufficient to determine the role of this variant in disease. Therefore, it has been classified as a Variant of Uncertain Significance. Algorithms developed to predict the effect of missense changes on protein structure and function output the following: SIFT: "Tolerated"; PolyPhen-2: "Benign"; Align-GVGD: "Class C0". The aspartic acid amino acid residue is found in multiple mammalian species, which suggests that this missense change does not adversely affect protein function. ClinVar contains an entry for this variant (Variation ID: 1484096). This variant has not been reported in the literature in individuals affected with CLN3-related conditions. This variant is not present in population databases (gnomAD no frequency). This sequence change replaces glutamic acid, which is acidic and polar, with aspartic acid, which is acidic and polar, at codon 18 of the CLN3 protein (p.Glu18Asp).